The following is an entry in ClinVar:

NM_006922.4(SCN3A):c.5713G>A (p.Ala1905Thr)

Gene: SCN3A (sodium voltage-gated channel alpha subunit 3; minus strand). Cytogenetic location: 2q24.3.
Variant type: single nucleotide variant.
Coding change: c.5713G>A on transcript NM_006922.4 (MANE Select); coding-DNA position 5713, G replaced by A.
Protein change: p.Ala1905Thr; replaces alanine 1905 with threonine.
Molecular consequence: missense variant.
Genome position (GRCh38, 1-based): chr2:165,090,440, C>T on the plus strand (G>A on the coding strand, the complement: SCN3A is on the minus strand). VCF-style: chr2-165090440-C-T. GRCh37 (hg19) VCF-style: chr2-165946950-C-T.
Other names: c.5566G>A, p.Ala1856Thr (NM_001081676.2, NM_001081677.2); short protein forms A1856T, A1905T.
Identifiers: ClinVar variation 661987 (VCV000661987.13), dbSNP rs367631757, ClinGen allele CA1938365.

ClinVar aggregate classification (germline): Uncertain significance. Review status: criteria provided, multiple submitters, no conflicts (2 of 4 stars). 3 submissions from 3 submitters: Uncertain significance (3). Last evaluated 2025-12-24.

Conditions:
Inborn genetic diseases. Identifiers: MedGen C0950123, MeSH D030342.

Allele frequency attached by ClinVar (database versions not stated): gnomAD exomes 0.00001; ExAC 0.00002; gnomAD 0.00004 and 0.00006; TOPMed 0.00007; ESP Exome Variant Server 0.00008.

Submissions (3):

Ambry Genetics
Classification: Uncertain significance for Inborn genetic diseases. Last evaluated: 2025-12-24. Review status: criteria provided, single submitter. Criteria: Ambry Variant Classification Scheme 2023. Collection method: clinical testing. Allele origin: germline.
Comment: The c.5713G>A (p.A1905T) alteration is located in exon 28 (coding exon 26) of the SCN3A gene. This alteration results from a G to A substitution at nucleotide position 5713, causing the alanine (A) at amino acid position 1905 to be replaced by a threonine (T). Based on data from gnomAD, the A allele has an overall frequency of 0.001% (2/250938) total alleles studied. The highest observed frequency was 0.002% (2/113348) of European (non-Finnish) alleles. Based on insufficient or conflicting evidence, the clinical significance of this alteration remains unclear.

Labcorp Genetics (formerly Invitae), Labcorp
Classification: Uncertain significance. Last evaluated: 2024-08-20. Review status: criteria provided, single submitter. Criteria: Invitae Variant Classification Sherloc (09022015). Collection method: clinical testing. Allele origin: germline.
Comment: This sequence change replaces alanine, which is neutral and non-polar, with threonine, which is neutral and polar, at codon 1905 of the SCN3A protein (p.Ala1905Thr). This variant is present in population databases (rs367631757, gnomAD 0.002%). This variant has not been reported in the literature in individuals affected with SCN3A-related conditions. ClinVar contains an entry for this variant (Variation ID: 661987). Invitae Evidence Modeling of protein sequence and biophysical properties (such as structural, functional, and spatial information, amino acid conservation, physicochemical variation, residue mobility, and thermodynamic stability) indicates that this missense variant is not expected to disrupt SCN3A protein function with a negative predictive value of 95%. In summary, the available evidence is currently insufficient to determine the role of this variant in disease. Therefore, it has been classified as a Variant of Uncertain Significance.

Revvity Omics, Revvity
Classification: Uncertain significance. Last evaluated: 2022-11-02. Review status: criteria provided, single submitter. Criteria: ACMG Guidelines, 2015. Collection method: clinical testing. Allele origin: germline.